The following is an entry in ClinVar:

ClinVar aggregate classification (germline): Uncertain significance. Review status: criteria provided, multiple submitters, no conflicts (2 of 4 stars). 2 submissions from 2 submitters: Uncertain significance (2). Last evaluated 2026-01-15.

Conditions:
Orofaciodigital syndrome I (OFD1). Also called: OFDS I; Oral-Facial-Digital Syndrome Type I; Papillon-Leage and Psaume Syndrome. Identifiers: Orphanet 2750, MedGen C1510460, MONDO:0010702, OMIM 311200.
Joubert syndrome. Also called: JOUBERT-BOLTSHAUSER SYNDROME; Familial aplasia of the vermis. Identifiers: Orphanet 475, MedGen C5979921, MONDO:0018772.

Allele frequency attached by ClinVar (database versions not stated): gnomAD exomes below 0.00001; ExAC 0.00001.
gnomAD v4.1: 2 of 1,211,291 alleles (0.00017%); highest among the groups gnomAD compares: Non-Finnish European, 0.00022%; no homozygotes.

Submissions (2):

Labcorp Genetics (formerly Invitae), Labcorp
Classification: Uncertain significance for Orofaciodigital syndrome I; Joubert syndrome. Last evaluated: 2026-01-15. Review status: criteria provided, single submitter. Criteria: Invitae Variant Classification Sherloc (09022015). Collection method: clinical testing. Allele origin: germline.
Comment: This sequence change replaces glutamine, which is neutral and polar, with arginine, which is basic and polar, at codon 902 of the OFD1 protein (p.Gln902Arg). This variant is present in population databases (rs759355611, gnomAD 0.008%). This variant has not been reported in the literature in individuals affected with OFD1-related conditions. ClinVar contains an entry for this variant (Variation ID: 2010041). Invitae Evidence Modeling of protein sequence and biophysical properties (such as structural, functional, and spatial information, amino acid conservation, physicochemical variation, residue mobility, and thermodynamic stability) indicates that this missense variant is not expected to disrupt OFD1 protein function with a negative predictive value of 80%. In summary, the available evidence is currently insufficient to determine the role of this variant in disease. Therefore, it has been classified as a Variant of Uncertain Significance.

Blueprint Genetics
Classification: Uncertain significance. Last evaluated: 2019-09-29. Review status: criteria provided, single submitter. Criteria: ACMG Guidelines, 2015. Collection method: clinical testing. Allele origin: germline.

NM_003611.3(OFD1):c.2705A>G (p.Gln902Arg)

Gene: OFD1 (OFD1 centriole and centriolar satellite protein; plus strand). Cytogenetic location: Xp22.2.
Variant type: single nucleotide variant.
Coding change: c.2705A>G on transcript NM_003611.3 (MANE Select); coding-DNA position 2705, A replaced by G.
Protein change: p.Gln902Arg; replaces glutamine 902 with arginine.
Molecular consequence: missense variant.
Genome position (GRCh38, 1-based): chrX:13,767,232, A>G. VCF-style: chrX-13767232-A-G. GRCh37 (hg19) VCF-style: chrX-13785351-A-G.
Other names: c.2585A>G, p.Gln862Arg (NM_001330209.2); c.2285A>G, p.Gln762Arg (NM_001330210.2); short protein forms Q762R, Q902R, Q862R.
Identifiers: ClinVar variation 2010041 (VCV002010041.3), dbSNP rs759355611, ClinGen allele CA10352067.